The following is an entry in ClinVar:

ClinVar aggregate classification (germline): Uncertain significance (1 of 4 stars; one submission).

Conditions:
Inborn genetic diseases. Identifiers: MedGen C0950123, MeSH D030342.

Submission:

Ambry Genetics
Classification: Uncertain significance for Inborn genetic diseases. Last evaluated: 2026-06-02. Review status: criteria provided, single submitter. Criteria: Ambry Variant Classification Scheme 2023. Collection method: clinical testing. Allele origin: germline.
Comment: The p.G263R variant (also known as c.787G>A), located in coding exon 6 of the BMPR2 gene, results from a G to A substitution at nucleotide position 787. The glycine at codon 263 is replaced by arginine, an amino acid with dissimilar properties. This amino acid position is conserved. In addition, the in silico prediction for this alteration is inconclusive. Based on the available evidence, the clinical significance of this variant remains unclear.

NM_001204.7(BMPR2):c.787G>A (p.Gly263Arg)

Gene: BMPR2 (bone morphogenetic protein receptor type 2; plus strand). Cytogenetic location: 2q33.2.
Variant type: single nucleotide variant.
Coding change: c.787G>A on transcript NM_001204.7 (MANE Select); coding-DNA position 787, G replaced by A.
Protein change: p.Gly263Arg; replaces glycine 263 with arginine.
Molecular consequence: missense variant.
Genome position (GRCh38, 1-based): chr2:202,518,987, G>A. VCF-style: chr2-202518987-G-A. GRCh37 (hg19) VCF-style: chr2-203383710-G-A.
Other names: short protein forms G263R.
Identifiers: ClinVar variation 4867649 (VCV004867649.1).
Genomic context (GRCh38, chr2:202,518,987, plus strand): 5'-GAAAAGAACATTTACAGAGTGCCTTTGATGGAACATGACAACATTGCCCGCTTTATAGTT[G>A]GAGATGAGAGAGTCACTGCAGATGGACGCATGGAATATTTGCTTGTGATGGAGTACTATC-3'
Protein context (NP_001195.2, residues 253-273): EHDNIARFIV[Gly263Arg]DERVTADGRM